The following is an entry in ClinVar:

NM_000384.3(APOB):c.9708A>C (p.Glu3236Asp)

Gene: APOB (apolipoprotein B; minus strand). Cytogenetic location: 2p24.1.
Variant type: single nucleotide variant.
Coding change: c.9708A>C on transcript NM_000384.3 (MANE Select); coding-DNA position 9708, A replaced by C.
Protein change: p.Glu3236Asp; replaces glutamic acid 3236 with aspartic acid.
Molecular consequence: missense variant.
Genome position (GRCh38, 1-based): chr2:21,007,160, T>G on the plus strand (A>C on the coding strand, the complement: APOB is on the minus strand). VCF-style: chr2-21007160-T-G. GRCh37 (hg19) VCF-style: chr2-21230032-T-G.
Other names: short protein forms E3236D.
Identifiers: ClinVar variation 5027385 (VCV005027385.1).
Genomic context (GRCh38, chr2:21,007,160, plus strand): 5'-GACAACTGGAACAGTGTATCCAGGAATTTGAAAGGTCCTGGGGAGCTCGTCGTGAGATTT[T>G]TCAGCTTTGTACTTATCAAACTTAATTTTTGTTTCATTATAGGATTTGGTGACAAAATCT-3'
Protein context (NP_000375.3, residues 3226-3246): TKIKFDKYKA[Glu3236Asp]KSHDELPRTF

ClinVar aggregate classification (germline): Uncertain significance (1 of 4 stars; one submission).

Conditions:
Cardiovascular phenotype. Identifiers: MedGen CN230736.

gnomAD v4.1: 4 of 1,613,868 alleles (0.00025%); highest among the groups gnomAD compares: African/African-American, 0.0053%; no homozygotes.

Submission:

Ambry Genetics
Classification: Uncertain significance for Cardiovascular phenotype. Last evaluated: 2026-07-02. Review status: criteria provided, single submitter. Criteria: Ambry Variant Classification Scheme 2023. Collection method: clinical testing. Allele origin: germline.
Comment: The p.E3236D variant (also known as c.9708A>C), located in coding exon 26 of the APOB gene, results from an A to C substitution at nucleotide position 9708. The glutamic acid at codon 3236 is replaced by aspartic acid, an amino acid with highly similar properties. This amino acid position is conserved. In addition, this alteration is predicted to be tolerated by in silico analysis. Based on the available evidence, the clinical significance of this variant remains unclear.